The following is an entry in ClinVar:

ClinVar aggregate classification (germline): Benign/Likely benign. Review status: criteria provided, multiple submitters, no conflicts (2 of 4 stars). 2 submissions from 2 submitters: Benign (1); Likely benign (1). Last evaluated 2024-09-05.

Conditions:
Isolated focal non-epidermolytic palmoplantar keratoderma. Also called: Palmoplantar keratoderma, nonepidermolytic, focal 2. Identifiers: Orphanet 448264, MedGen C4225339, MONDO:0014622, OMIM 616400.

Allele frequency attached by ClinVar (database versions not stated): TOPMed 0.00033; ESP Exome Variant Server 0.00038; gnomAD 0.00038.
gnomAD v4.1: 497 of 1,614,094 alleles (0.031%); highest among the groups gnomAD compares: Non-Finnish European, 0.021%; no homozygotes.

Submissions (2):

Labcorp Genetics (formerly Invitae), Labcorp
Classification: Likely benign. Last evaluated: 2024-09-05. Review status: criteria provided, single submitter. Criteria: Invitae Variant Classification Sherloc (09022015). Collection method: clinical testing. Allele origin: germline.

Illumina Laboratory Services, Illumina
Classification: Benign for Isolated focal non-epidermolytic palmoplantar keratoderma. Last evaluated: 2018-01-13. Review status: criteria provided, single submitter. Criteria: ICSL Variant Classification Criteria 13 December 2019. Collection method: clinical testing. Allele origin: germline.
Comment: This variant was observed in the ICSL laboratory as part of a predisposition screen in an ostensibly healthy population. It had not been previously curated by ICSL or reported in the Human Gene Mutation Database (HGMD: prior to June 1st, 2018), and was therefore a candidate for classification through an automated scoring system. Utilizing variant allele frequency, disease prevalence and penetrance estimates, and inheritance mode, an automated score was calculated to assess if this variant is too frequent to cause the disease. Based on the score and internal cut-off values, a variant classified as benign is not then subjected to further curation. The score for this variant resulted in a classification of benign for this disease.

NM_145068.4(TRPV3):c.852C>T (p.His284=)

Gene: TRPV3 (transient receptor potential cation channel subfamily V member 3; minus strand). Cytogenetic location: 17p13.2.
Variant type: single nucleotide variant.
Coding change: c.852C>T on transcript NM_145068.4 (MANE Select); coding-DNA position 852, C replaced by T.
Protein change: p.His284=; no amino-acid change (histidine 284 retained).
Molecular consequence: synonymous variant.
Genome position (GRCh38, 1-based): chr17:3,532,870, G>A on the plus strand (C>T on the coding strand, the complement: TRPV3 is on the minus strand). VCF-style: chr17-3532870-G-A. GRCh37 (hg19) VCF-style: chr17-3436164-G-A.
Other names: c.852C>T, p.His284= (NM_001258205.2).
Identifiers: ClinVar variation 746235 (VCV000746235.12), dbSNP rs144990390, ClinGen allele CA8289690.